The following is an entry in ClinVar:

NM_002474.3(MYH11):c.4252C>T (p.Leu1418=)

Genes: MYH11 (myosin heavy chain 11; minus strand), NDE1 (nudE neurodevelopment protein 1; plus strand). Cytogenetic location: 16p13.11.
Variant type: single nucleotide variant.
Coding change: c.4252C>T on transcript NM_002474.3 (MANE Select); coding-DNA position 4252, C replaced by T.
Protein change: p.Leu1418=; no amino-acid change (leucine 1418 retained).
Molecular consequence: synonymous variant. On other transcripts: 3 prime UTR variant (2).
Genome position (GRCh38, 1-based): chr16:15,724,274, G>A on the plus strand (C>T on the coding strand, the complement: MYH11 is on the minus strand). VCF-style: chr16-15724274-G-A. GRCh37 (hg19) VCF-style: chr16-15818131-G-A.
Other names: c.4273C>T (NM_001040113.1); c.4252C>T (NM_002474.2); c.4273C>T, p.Leu1425= (NM_001040113.2, NM_001040114.2); c.4252C>T, p.Leu1418= (NM_022844.3); c.*23G>A (NM_001143979.2, NM_017668.3).
Identifiers: ClinVar variation 2773812 (VCV002773812.4), dbSNP rs768512734, ClinGen allele CA7921725.

ClinVar aggregate classification (germline): Likely benign. Review status: criteria provided, multiple submitters, no conflicts (2 of 4 stars). 3 submissions from 3 submitters: Likely benign (3). Last evaluated 2025-08-09.

Conditions:
Familial thoracic aortic aneurysm and aortic dissection (TAAD). Also called: Thoracic aortic aneurysms and dissections. Identifiers: Orphanet 91387, MedGen C4707243, MONDO:0019625.
MYH11-related disorder. Also called: MYH11-related condition.

Allele frequency attached by ClinVar (database versions not stated): TOPMed below 0.00001; ExAC 0.00001; gnomAD exomes 0.00001.
gnomAD v4.1: 5 of 1,614,206 alleles (0.00031%); highest among the groups gnomAD compares: Non-Finnish European, 0.00034%; no homozygotes.

Submissions (3):

PreventionGenetics, part of Exact Sciences
Classification: Likely benign for MYH11-related condition. Last evaluated: 2025-08-09. Review status: criteria provided, single submitter. Criteria: ACMG Guidelines, 2015. Collection method: clinical testing. Allele origin: germline.
Comment: This variant is classified as likely benign based on ACMG/AMP sequence variant interpretation guidelines (Richards et al. 2015 PMID: 25741868, with internal and published modifications).

Ambry Genetics
Classification: Likely benign for Familial thoracic aortic aneurysm and aortic dissection. Last evaluated: 2024-06-07. Review status: criteria provided, single submitter. Criteria: Ambry Variant Classification Scheme 2023. Collection method: clinical testing. Allele origin: germline.

Color Diagnostics, LLC DBA Color Health
Classification: Likely benign for Familial thoracic aortic aneurysm and aortic dissection. Last evaluated: 2023-04-20. Review status: criteria provided, single submitter. Criteria: ACMG Guidelines, 2015. Collection method: clinical testing. Allele origin: germline.